The following is an entry in ClinVar:

ClinVar aggregate classification (germline): Pathogenic/Likely pathogenic. Review status: criteria provided, multiple submitters, no conflicts (2 of 4 stars). 3 submissions from 3 submitters: Pathogenic (2); Likely pathogenic (1). Last evaluated 2025-03-21.

Conditions:
Cornelia de Lange syndrome 1 (CDLS1). Also called: Brachmann de Lange syndrome; TYPUS DEGENERATIVUS AMSTELODAMENSIS; NIPBL-Related Cornelia de Lange Syndrome. Identifiers: Orphanet 199, MedGen C4551851, MONDO:0007387, OMIM 122470.

Submissions (3):

GeneDx
Classification: Likely pathogenic. Last evaluated: 2025-03-21. Review status: criteria provided, single submitter. Criteria: GeneDx Variant Classification Process June 2021. Collection method: clinical testing. Allele origin: germline. Affected: yes.
Comment: Frameshift variant predicted to result in abnormal protein length as the last 29 amino acid(s) are replaced with 6 different amino acid(s), and other similar variants have been reported in HGMD; Not observed at significant frequency in large population cohorts (gnomAD); This variant is associated with the following publications: (PMID: 20824775, 37377026)

Labcorp Genetics (formerly Invitae), Labcorp
Classification: Pathogenic for Cornelia de Lange syndrome 1. Last evaluated: 2022-07-13. Review status: criteria provided, single submitter. Criteria: Invitae Variant Classification Sherloc (09022015). Collection method: clinical testing. Allele origin: germline.
Comment: For these reasons, this variant has been classified as Pathogenic. This variant disrupts a region of the NIPBL protein in which other variant(s) (p.Leu2778*) have been determined to be pathogenic (Invitae). This suggests that this is a clinically significant region of the protein, and that variants that disrupt it are likely to be disease-causing. ClinVar contains an entry for this variant (Variation ID: 1402649). This premature translational stop signal has been observed in individual(s) with Cornelia de Lange syndrome (PMID: 20824775). This variant is not present in population databases (gnomAD no frequency). This sequence change creates a premature translational stop signal (p.Ile2776Asnfs*7) in the NIPBL gene. While this is not anticipated to result in nonsense mediated decay, it is expected to disrupt the last 29 amino acid(s) of the NIPBL protein.

Victorian Clinical Genetics Services, Murdoch Childrens Research Institute
Classification: Pathogenic for Cornelia de Lange syndrome 1. Last evaluated: 2019-08-28. Review status: criteria provided, single submitter. Criteria: ACMG Guidelines, 2015. Collection method: clinical testing. Allele origin: germline. Inheritance: Autosomal dominant inheritance.
Comment: A heterozygous frameshift duplication variant, NM_133433.3(NIPBL):c.8326dup, has been identified in exon exon 47 of 47 of the NIPBL gene. This duplication is predicted to create a frameshift starting at amino acid position 2776, introducing a stop codon 7 residues downstream (NP_597677.2(NIPBL):p.Ile2776Asnfs*7). This variant is predicted to result in loss of protein function through truncation, which is a reported mechanism of pathogenicity for this gene. The variant is absent in the gnomAD population database. The variant has been previously identified in a patient with Cornelia de Lange syndrome (Oliveira, J. et al. (2010)). Other truncating variants downsteam have been previously identified in patients with Cornelia de Lange syndrome (ClinVar, Nizon, M. et al (2016)). Based on the information available at the time of curation, this variant has been classified as PATHOGENIC.

Literature cited by the submitters: PubMed 20824775 (cited by Labcorp Genetics (formerly Invitae), Labcorp).

NM_133433.4(NIPBL):c.8326dup (p.Ile2776fs)

Gene: NIPBL (NIPBL cohesin loading factor; plus strand). Cytogenetic location: 5p13.2.
Variant type: Duplication.
Coding change: c.8326dup on transcript NM_133433.4 (MANE Select); coding-DNA position 8326, one base duplicated (A; older notation c.8326dupA).
Protein change: p.Ile2776fs; shifts the reading frame from isoleucine 2776.
Molecular consequence: frameshift variant. On other transcripts: 3 prime UTR variant (1).
Genome position (GRCh38, 1-based): chr5:37,064,803, A duplicated; the last of 7 consecutive A bases (chr5:37,064,797-37,064,803); duplicating any one gives the same sequence. VCF-style (leftmost placement, unchanged base first): chr5-37064796-C-CA. GRCh37 (hg19) VCF-style: chr5-37064898-C-CA.
Other names: c.8326dup (NM_133433.3); c.8326dupA (NM_133433.3); c.*780dup (NM_015384.5); short protein forms I2776fs.
Identifiers: ClinVar variation 1402649 (VCV001402649.10), dbSNP rs1157335847, ClinGen allele CA913203534.